The following is an entry in ClinVar:

NM_000748.3(CHRNB2):c.550G>A (p.Asp184Asn)

Gene: CHRNB2 (cholinergic receptor nicotinic beta 2 subunit; plus strand). Cytogenetic location: 1q21.3.
Variant type: single nucleotide variant.
Coding change: c.550G>A on transcript NM_000748.3 (MANE Select); coding-DNA position 550, G replaced by A.
Protein change: p.Asp184Asn; replaces aspartic acid 184 with asparagine.
Molecular consequence: missense variant.
Genome position (GRCh38, 1-based): chr1:154,571,373, G>A. VCF-style: chr1-154571373-G-A. GRCh37 (hg19) VCF-style: chr1-154543849-G-A.
Other names: short protein forms D184N.
Identifiers: ClinVar variation 3693613 (VCV003693613.2).

ClinVar aggregate classification (germline): Uncertain significance (1 of 4 stars; one submission).

Conditions:
Familial sleep-related hypermotor epilepsy. Also called: Autosomal Dominant Sleep-Related Hypermotor (Hyperkinetic) Epilepsy. Identifiers: Orphanet 98784, MedGen C3696898, MONDO:0000030.

gnomAD v4.1: 2 of 1,614,076 alleles (0.00012%); highest among the groups gnomAD compares: Non-Finnish European, 0.00017%; no homozygotes.

Submission:

Labcorp Genetics (formerly Invitae), Labcorp
Classification: Uncertain significance. Last evaluated: 2024-07-15. Review status: criteria provided, single submitter. Criteria: Invitae Variant Classification Sherloc (09022015). Collection method: clinical testing. Allele origin: germline.
Comment: This sequence change replaces aspartic acid, which is acidic and polar, with asparagine, which is neutral and polar, at codon 184 of the CHRNB2 protein (p.Asp184Asn). This variant is not present in population databases (gnomAD no frequency). This variant has not been reported in the literature in individuals affected with CHRNB2-related conditions. Advanced modeling of protein sequence and biophysical properties (such as structural, functional, and spatial information, amino acid conservation, physicochemical variation, residue mobility, and thermodynamic stability) performed at Invitae indicates that this missense variant is not expected to disrupt CHRNB2 protein function with a negative predictive value of 80%. In summary, the available evidence is currently insufficient to determine the role of this variant in disease. Therefore, it has been classified as a Variant of Uncertain Significance.